The following is an entry in ClinVar:

NM_016579.4(CD320):c.378C>T (p.Asn126=)

Gene: CD320 (CD320 molecule; minus strand). Cytogenetic location: 19p13.2.
Variant type: single nucleotide variant.
Coding change: c.378C>T on transcript NM_016579.4 (MANE Select); coding-DNA position 378, C replaced by T.
Protein change: p.Asn126=; no amino-acid change (asparagine 126 retained).
Molecular consequence: synonymous variant.
Genome position (GRCh38, 1-based): chr19:8,303,979, G>A on the plus strand (C>T on the coding strand, the complement: CD320 is on the minus strand). VCF-style: chr19-8303979-G-A. GRCh37 (hg19) VCF-style: chr19-8368863-G-A.
Other names: p.Asn126=; c.252C>T, p.Asn84= (NM_001165895.2).
Identifiers: ClinVar variation 1536736 (VCV001536736.10), dbSNP rs144097701, ClinGen allele CA9154756.

ClinVar aggregate classification (germline): Likely benign. Review status: criteria provided, multiple submitters, no conflicts (2 of 4 stars). 3 submissions from 3 submitters: Likely benign (3). Last evaluated 2025-09-23.

Conditions:
Methylmalonic acidemia due to transcobalamin receptor defect (MATR). Also called: METHYLMALONIC ACIDEMIA, TCblR TYPE; METHYLMALONIC ACIDURIA, TRANSIENT, DUE TO TRANSCOBALAMIN RECEPTOR DEFECT. Identifiers: Orphanet 280183, MedGen C4749905, MONDO:0013341, OMIM 613646.

Allele frequency attached by ClinVar (database versions not stated): ESP Exome Variant Server 0.00015; gnomAD 0.00019 and 0.00020; gnomAD exomes 0.00019 and 0.00030; TOPMed 0.00019; 1000 Genomes Project 0.00020; 1000 Genomes Project 30x 0.00031; ExAC 0.00052.
gnomAD v4.1: 447 of 1,577,442 alleles (0.028%); highest among the groups gnomAD compares: Non-Finnish European, 0.037%; no homozygotes.

Submissions (3):

Mayo Clinic Laboratories, Mayo Clinic
Classification: Likely benign. Last evaluated: 2025-09-23. Review status: criteria provided, single submitter. Criteria: ACMG Guidelines, 2015. Collection method: clinical testing. Allele origin: germline. Observed: 1 variant allele.
Comment: BP4, BP7

Labcorp Genetics (formerly Invitae), Labcorp
Classification: Likely benign for Methylmalonic acidemia due to transcobalamin receptor defect. Last evaluated: 2024-12-10. Review status: criteria provided, single submitter. Criteria: Invitae Variant Classification Sherloc (09022015). Collection method: clinical testing. Allele origin: germline.

Breakthrough Genomics
Classification: Likely benign. Review status: criteria provided, single submitter. Criteria: ACMG Guidelines, 2015. Collection method: not provided. Allele origin: germline. Inheritance: Autosomal recessive inheritance. Affected: yes.